The following is an entry in ClinVar:

ClinVar aggregate classification (germline): Uncertain significance (1 of 4 stars; one submission).

Conditions:
Menkes kinky-hair syndrome (MNK). Also called: Menkes Disease; Copper transport disease; Classic Menkes Disease. Identifiers: Orphanet 565, MedGen C0022716, MONDO:0010651, OMIM 309400.
Cutis laxa, X-linked (OHS). Also called: EDS IX; Occipital horn syndrome. Identifiers: Orphanet 198, MedGen C0268353, MONDO:0010572, OMIM 304150.
X-linked distal spinal muscular atrophy type 3. Also called: ATP7A-Related Distal Motor Neuropathy; SPINAL MUSCULAR ATROPHY, DISTAL, X-LINKED RECESSIVE; NEURONOPATHY, DISTAL HEREDITARY MOTOR, X-LINKED; NEUROPATHY, DISTAL HEREDITARY MOTOR, X-LINKED. Identifiers: Orphanet 139557, MedGen C1845359, MONDO:0010338, OMIM 300489.

Submission:

Labcorp Genetics (formerly Invitae), Labcorp
Classification: Uncertain significance for X-linked distal spinal muscular atrophy type 3; Cutis laxa, X-linked; Menkes kinky-hair syndrome. Last evaluated: 2025-07-09. Review status: criteria provided, single submitter. Criteria: Invitae Variant Classification Sherloc (09022015). Collection method: clinical testing. Allele origin: germline.
Comment: This sequence change replaces valine, which is neutral and non-polar, with alanine, which is neutral and non-polar, at codon 1216 of the ATP7A protein (p.Val1216Ala). This variant is not present in population databases (gnomAD no frequency). This variant has not been reported in the literature in individuals affected with ATP7A-related conditions. Invitae Evidence Modeling of protein sequence and biophysical properties (such as structural, functional, and spatial information, amino acid conservation, physicochemical variation, residue mobility, and thermodynamic stability) indicates that this missense variant is not expected to disrupt ATP7A protein function with a negative predictive value of 95%. In summary, the available evidence is currently insufficient to determine the role of this variant in disease. Therefore, it has been classified as a Variant of Uncertain Significance.

NM_000052.7(ATP7A):c.3647T>C (p.Val1216Ala)

Gene: ATP7A (ATPase copper transporting alpha; plus strand). Cytogenetic location: Xq21.1.
Variant type: single nucleotide variant.
Coding change: c.3647T>C on transcript NM_000052.7 (MANE Select); coding-DNA position 3647, T replaced by C.
Protein change: p.Val1216Ala; replaces valine 1216 with alanine.
Molecular consequence: missense variant. On other transcripts: non-coding transcript variant (1).
Genome position (GRCh38, 1-based): chrX:78,038,971, T>C. VCF-style: chrX-78038971-T-C. GRCh37 (hg19) VCF-style: chrX-77294469-T-C.
Other names: c.3413T>C, p.Val1138Ala (NM_001282224.2); short protein forms V1216A, V1138A.
Identifiers: ClinVar variation 4790251 (VCV004790251.1).